The following is an entry in ClinVar:

ClinVar aggregate classification (germline): Likely benign. Review status: criteria provided, multiple submitters, no conflicts (2 of 4 stars). 3 submissions from 3 submitters: Likely benign (3). Last evaluated 2025-09-10.

Conditions:
Hyperphosphatasia with impaired intellectual development syndrome 2. Also called: Hyperphosphatasia with intellectual disability syndrome 2; GLYCOSYLPHOSPHATIDYLINOSITOL BIOSYNTHESIS DEFECT 6. Identifiers: Orphanet 247262, MedGen C3553637, MONDO:0013882, OMIM 614749.
PIGO-related disorder. Also called: PIGO-related condition.

Allele frequency attached by ClinVar (database versions not stated): gnomAD 0.00011 and 0.00010; gnomAD exomes 0.00009; TOPMed 0.00011; ExAC 0.00012; ESP Exome Variant Server 0.00031.

Submissions (3):

Labcorp Genetics (formerly Invitae), Labcorp
Classification: Likely benign for Hyperphosphatasia with impaired intellectual development syndrome 2. Last evaluated: 2025-09-10. Review status: criteria provided, single submitter. Criteria: Invitae Variant Classification Sherloc (09022015). Collection method: clinical testing. Allele origin: germline.

PreventionGenetics, part of Exact Sciences
Classification: Likely benign for PIGO-related condition. Last evaluated: 2025-05-14. Review status: criteria provided, single submitter. Criteria: ACMG Guidelines, 2015. Collection method: clinical testing. Allele origin: germline.
Comment: This variant is classified as likely benign based on ACMG/AMP sequence variant interpretation guidelines (Richards et al. 2015 PMID: 25741868, with internal and published modifications).

GeneDx
Classification: Likely benign. Last evaluated: 2024-11-19. Review status: criteria provided, single submitter. Criteria: GeneDx Variant Classification Process June 2021. Collection method: clinical testing. Allele origin: germline. Affected: yes.
Comment: See Variant Classification Assertion Criteria.

NM_032634.4(PIGO):c.2025G>A (p.Ala675=)

Gene: PIGO (phosphatidylinositol glycan anchor biosynthesis class O; minus strand). Cytogenetic location: 9p13.3.
Variant type: single nucleotide variant.
Coding change: c.2025G>A on transcript NM_032634.4 (MANE Select); coding-DNA position 2025, G replaced by A.
Protein change: p.Ala675=; no amino-acid change (alanine 675 retained).
Molecular consequence: synonymous variant. On other transcripts: intron variant (2).
Genome position (GRCh38, 1-based): chr9:35,091,862, C>T on the plus strand (G>A on the coding strand, the complement: PIGO is on the minus strand). VCF-style: chr9-35091862-C-T. GRCh37 (hg19) VCF-style: chr9-35091859-C-T.
Other names: c.1345-571G>A (NM_152850.4, NM_001201484.2).
Identifiers: ClinVar variation 383438 (VCV000383438.13), dbSNP rs368209276, ClinGen allele CA5040523.
Genomic context (GRCh38, chr9:35,091,862, plus strand): 5'-CTTGAGATTACCATAGCGGCGAAGCCACAAGCGCACGGCAGCTAACAGGGCCACCAGCGC[C>T]GCCACACAAGCTCCATACCACAAATTCTTGGCTCGACCACCCACCATGGATGCCAGAGGA-3'
Protein context (NP_116023.2, residues 665-685): AKNLWYGACV[Ala675=]ALVALLAAVR